The following is an entry in ClinVar:

ClinVar aggregate classification (germline): Uncertain significance. Review status: criteria provided, multiple submitters, no conflicts (2 of 4 stars). 2 submissions from 2 submitters: Uncertain significance (2). Last evaluated 2025-07-12.

Conditions:
Acute myeloid leukemia (AML). Also called: Acute myeloid leukemia, adult; AML adult; Acute non-lymphocytic leukemia; Acute granulocytic leukemia; Leukemia, acute myelogenous, somatic; Leukemia, acute myeloid, somatic. Identifiers: Orphanet 519, MedGen C0023467, MeSH D015470, MONDO:0018874, OMIM 601626, HP:0004808. Disease mechanism: Constitutively activated FLT3.
Inborn genetic diseases. Identifiers: MedGen C0950123, MeSH D030342.

Submissions (2):

Ambry Genetics
Classification: Uncertain significance for Inborn genetic diseases. Last evaluated: 2025-07-12. Review status: criteria provided, single submitter. Criteria: Ambry Variant Classification Scheme 2023. Collection method: clinical testing. Allele origin: germline.
Comment: The p.S401C variant (also known as c.1202C>G), located in coding exon 5 of the GATA2 gene, results from a C to G substitution at nucleotide position 1202. The serine at codon 401 is replaced by cysteine, an amino acid with dissimilar properties. This amino acid position is conserved. In addition, this alteration is predicted to be deleterious by in silico analysis. Based on the available evidence, the clinical significance of this variant remains unclear.

Baylor Genetics
Classification: Uncertain significance for Acute myeloid leukemia. Last evaluated: 2023-07-29. Review status: criteria provided, single submitter. Criteria: ACMG Guidelines, 2015. Collection method: clinical testing. Allele origin: unknown.

NM_032638.5(GATA2):c.1202C>G (p.Ser401Cys)

Gene: GATA2 (GATA binding protein 2; minus strand). Cytogenetic location: 3q21.3.
Variant type: single nucleotide variant.
Coding change: c.1202C>G on transcript NM_032638.5 (MANE Select); coding-DNA position 1202, C replaced by G.
Protein change: p.Ser401Cys; replaces serine 401 with cysteine.
Molecular consequence: missense variant.
Genome position (GRCh38, 1-based): chr3:128,481,260, G>C on the plus strand (C>G on the coding strand, the complement: GATA2 is on the minus strand). VCF-style: chr3-128481260-G-C. GRCh37 (hg19) VCF-style: chr3-128200103-G-C.
Other names: c.1202C>G, p.Ser401Cys (NM_001145661.2); c.1160C>G, p.Ser387Cys (NM_001145662.1); short protein forms S387C, S401C.
Identifiers: ClinVar variation 2675843 (VCV002675843.2), dbSNP rs2472919239, ClinGen allele CA354413174.